The following is an entry in ClinVar:

ClinVar aggregate classification (germline): Uncertain significance (1 of 4 stars; one submission).

Conditions:
Neuropathy, hereditary sensory and autonomic, type 2A (HSAN2A). Also called: ACROOSTEOLYSIS, GIACCAI TYPE; ACROOSTEOLYSIS, NEUROGENIC; WNK1-Related HSAN2 (HSAN2A); MORVAN DISEASE; NEUROPATHY, CONGENITAL SENSORY; NEUROPATHY, HEREDITARY SENSORY RADICULAR, AUTOSOMAL RECESSIVE. Identifiers: Orphanet 970, MedGen C2752089, MONDO:0024309, OMIM 201300.
Generalized epilepsy with febrile seizures plus, type 7 (GEFSP7). Also called: GEFS+, TYPE 7. Identifiers: Orphanet 36387, MedGen C2751778, MONDO:0013470, OMIM 613863.

Allele frequency attached by ClinVar (database versions not stated): ExAC 0.00001.
gnomAD v4.1: 7 of 1,525,562 alleles (0.00046%); highest among the groups gnomAD compares: South Asian, 0.0011%; no homozygotes.

Submission:

Labcorp Genetics (formerly Invitae), Labcorp
Classification: Uncertain significance for Neuropathy, hereditary sensory and autonomic, type 2A; Generalized epilepsy with febrile seizures plus, type 7. Last evaluated: 2024-11-03. Review status: criteria provided, single submitter. Criteria: Invitae Variant Classification Sherloc (09022015). Collection method: clinical testing. Allele origin: germline.
Comment: This sequence change replaces histidine, which is basic and polar, with tyrosine, which is neutral and polar, at codon 125 of the SCN9A protein (p.His125Tyr). The frequency data for this variant in the population databases is considered unreliable, as metrics indicate poor data quality at this position in the gnomAD database. This variant has not been reported in the literature in individuals affected with SCN9A-related conditions. ClinVar contains an entry for this variant (Variation ID: 2932595). Invitae Evidence Modeling of protein sequence and biophysical properties (such as structural, functional, and spatial information, amino acid conservation, physicochemical variation, residue mobility, and thermodynamic stability) has been performed for this missense variant. However, the output from this modeling did not meet the statistical confidence thresholds required to predict the impact of this variant on SCN9A protein function. In summary, the available evidence is currently insufficient to determine the role of this variant in disease. Therefore, it has been classified as a Variant of Uncertain Significance.

NM_001365536.1(SCN9A):c.373C>T (p.His125Tyr)

Gene: SCN9A (sodium voltage-gated channel alpha subunit 9; minus strand). Cytogenetic location: 2q24.3.
Variant type: single nucleotide variant.
Coding change: c.373C>T on transcript NM_001365536.1 (MANE Select); coding-DNA position 373, C replaced by T.
Protein change: p.His125Tyr; replaces histidine 125 with tyrosine.
Molecular consequence: missense variant.
Genome position (GRCh38, 1-based): chr2:166,306,960, G>A on the plus strand (C>T on the coding strand, the complement: SCN9A is on the minus strand). VCF-style: chr2-166306960-G-A. GRCh37 (hg19) VCF-style: chr2-167163470-G-A.
Other names: c.373C>T, p.His125Tyr (NM_002977.4); short protein forms H125Y.
Identifiers: ClinVar variation 2932595 (VCV002932595.3), dbSNP rs758527549, ClinGen allele CA1944817.